The following is an entry in ClinVar:

ClinVar aggregate classification (germline): Uncertain significance. Review status: criteria provided, multiple submitters, no conflicts (2 of 4 stars). 2 submissions from 2 submitters: Uncertain significance (2). Last evaluated 2024-09-11.

Conditions:
Inborn genetic diseases. Identifiers: MedGen C0950123, MeSH D030342.

Allele frequency attached by ClinVar (database versions not stated): ExAC 0.00002; gnomAD 0.00003 and 0.00004; TOPMed 0.00003.

Submissions (2):

Ambry Genetics
Classification: Uncertain significance for Inborn genetic diseases. Last evaluated: 2024-09-11. Review status: criteria provided, single submitter. Criteria: Ambry Variant Classification Scheme 2023. Collection method: clinical testing. Allele origin: germline.

Labcorp Genetics (formerly Invitae), Labcorp
Classification: Uncertain significance. Last evaluated: 2021-05-25. Review status: criteria provided, single submitter. Criteria: Invitae Variant Classification Sherloc (09022015). Collection method: clinical testing. Allele origin: germline.
Comment: In summary, the available evidence is currently insufficient to determine the role of this variant in disease. Therefore, it has been classified as a Variant of Uncertain Significance. This sequence change replaces arginine with cysteine at codon 280 of the PKDCC protein (p.Arg280Cys). The arginine residue is highly conserved and there is a large physicochemical difference between arginine and cysteine. This variant is present in population databases (rs779893968, ExAC 0.003%). This variant has not been reported in the literature in individuals with PKDCC-related conditions. Algorithms developed to predict the effect of missense changes on protein structure and function (SIFT, PolyPhen-2, Align-GVGD) all suggest that this variant is likely to be disruptive, but these predictions have not been confirmed by published functional studies and their clinical significance is uncertain.

NM_138370.3(PKDCC):c.838C>T (p.Arg280Cys)

Gene: PKDCC (protein kinase domain containing, cytoplasmic; plus strand). Cytogenetic location: 2p21.
Variant type: single nucleotide variant.
Coding change: c.838C>T on transcript NM_138370.3 (MANE Select); coding-DNA position 838, C replaced by T.
Protein change: p.Arg280Cys; replaces arginine 280 with cysteine.
Molecular consequence: missense variant.
Genome position (GRCh38, 1-based): chr2:42,054,111, C>T. VCF-style: chr2-42054111-C-T. GRCh37 (hg19) VCF-style: chr2-42281251-C-T.
Other names: c.838C>T (NM_138370.2); short protein forms R280C.
Identifiers: ClinVar variation 1469254 (VCV001469254.9), dbSNP rs779893968, ClinGen allele CA1628038.